The following is an entry in ClinVar:

NM_001735.3(C5):c.1937T>C (p.Phe646Ser)

Gene: C5 (complement C5; minus strand). Cytogenetic location: 9q33.2.
Variant type: single nucleotide variant.
Coding change: c.1937T>C on transcript NM_001735.3 (MANE Select); coding-DNA position 1937, T replaced by C.
Protein change: p.Phe646Ser; replaces phenylalanine 646 with serine.
Molecular consequence: missense variant.
Genome position (GRCh38, 1-based): chr9:121,016,313, A>G on the plus strand (T>C on the coding strand, the complement: C5 is on the minus strand). VCF-style: chr9-121016313-A-G. GRCh37 (hg19) VCF-style: chr9-123778591-A-G.
Other names: c.1955T>C, p.Phe652Ser (NM_001317163.2); c.1937T>C, p.Phe646Ser (NM_001317164.2); short protein forms F646S, F652S.
Identifiers: ClinVar variation 2003484 (VCV002003484.4), dbSNP rs2540427854, ClinGen allele CA374745387.

ClinVar aggregate classification (germline): Uncertain significance (1 of 4 stars; one submission).

Submission:

Labcorp Genetics (formerly Invitae), Labcorp
Classification: Uncertain significance. Last evaluated: 2022-06-08. Review status: criteria provided, single submitter. Criteria: Invitae Variant Classification Sherloc (09022015). Collection method: clinical testing. Allele origin: germline.
Comment: This sequence change replaces phenylalanine, which is neutral and non-polar, with serine, which is neutral and polar, at codon 646 of the C5 protein (p.Phe646Ser). In summary, the available evidence is currently insufficient to determine the role of this variant in disease. Therefore, it has been classified as a Variant of Uncertain Significance. Algorithms developed to predict the effect of missense changes on protein structure and function (SIFT, PolyPhen-2, Align-GVGD) all suggest that this variant is likely to be disruptive. This variant has not been reported in the literature in individuals affected with C5-related conditions. This variant is not present in population databases (gnomAD no frequency).